The following is an entry in ClinVar:

NM_032409.3(PINK1):c.665G>A (p.Trp222Ter)

Gene: PINK1 (PTEN induced kinase 1; plus strand). Cytogenetic location: 1p36.12.
Variant type: single nucleotide variant.
Coding change: c.665G>A on transcript NM_032409.3 (MANE Select); coding-DNA position 665, G replaced by A.
Protein change: p.Trp222Ter; replaces tryptophan 222 with a stop codon.
Molecular consequence: nonsense.
Genome position (GRCh38, 1-based): chr1:20,638,119, G>A. VCF-style: chr1-20638119-G-A. GRCh37 (hg19) VCF-style: chr1-20964612-G-A.
Other names: short protein forms W222*.
Identifiers: ClinVar variation 631590 (VCV000631590.8), dbSNP rs777160388, ClinGen allele CA660480.
Genomic context (GRCh38, chr1:20,638,119, plus strand): 5'-GAGAAGGGCAGGAGCGAGCTCCGGGGGCCCCTGCCTTCCCCTTGGCCATCAAGATGATGT[G>A]GAACATCTCGGTAAGCACCAGGCCTTTCATCTTTAAAGGAGATGTTCTCAAAATGCCCAT-3'

ClinVar aggregate classification (germline): Pathogenic (1 of 4 stars; one submission).

Conditions:
Autosomal recessive early-onset Parkinson disease 6 (PARK6). Also called: PARKINSON DISEASE 6, EARLY-ONSET; PINK1 Type of Young-Onset Parkinson Disease; PARKINSON DISEASE 6, MODIFIER OF; PINK1-Related Parkinson Disease. Identifiers: Orphanet 2828, MedGen C1853833, MONDO:0011613, OMIM 605909.

Allele frequency attached by ClinVar (database versions not stated): ExAC 0.00001; gnomAD exomes 0.00001 and 0.00002; TOPMed 0.00001.
gnomAD v4.1: 5 of 1,611,782 alleles (0.00031%); highest among the groups gnomAD compares: Admixed American, 0.0067%; no homozygotes.

Submission:

Labcorp Genetics (formerly Invitae), Labcorp
Classification: Pathogenic for Autosomal recessive early-onset Parkinson disease 6. Last evaluated: 2025-04-07. Review status: criteria provided, single submitter. Criteria: Invitae Variant Classification Sherloc (09022015). Collection method: clinical testing. Allele origin: germline.
Comment: This sequence change creates a premature translational stop signal (p.Trp222*) in the PINK1 gene. It is expected to result in an absent or disrupted protein product. Loss-of-function variants in PINK1 are known to be pathogenic (PMID: 15087508, 15349870). This variant is present in population databases (rs777160388, gnomAD 0.01%). This variant has not been reported in the literature in individuals affected with PINK1-related conditions. ClinVar contains an entry for this variant (Variation ID: 631590). For these reasons, this variant has been classified as Pathogenic.

Literature cited by the submitters: PubMed 15087508; PubMed 15349870.